The following is an entry in ClinVar:

ClinVar aggregate classification (germline): Uncertain significance. Review status: criteria provided, multiple submitters, no conflicts (2 of 4 stars). 2 submissions from 2 submitters: Uncertain significance (2). Last evaluated 2025-04-12.

Conditions:
SEMA3G-related disorder. Also called: SEMA3G-related condition.

gnomAD v4.1: 3 of 1,576,938 alleles (0.00019%); highest among the groups gnomAD compares: East Asian, 0.0046%; no homozygotes.

Submissions (2):

Ambry Genetics
Classification: Uncertain significance. Last evaluated: 2025-04-12. Review status: criteria provided, single submitter. Criteria: Ambry Variant Classification Scheme 2023. Collection method: clinical testing. Allele origin: germline.

PreventionGenetics, part of Exact Sciences
Classification: Uncertain significance for SEMA3G-related condition. Last evaluated: 2024-10-15. Review status: criteria provided, single submitter. Criteria: ACMG Guidelines, 2015. Collection method: clinical testing. Allele origin: germline.
Comment: The SEMA3G c.477G>C variant is predicted to result in the amino acid substitution p.Glu159Asp. To our knowledge, this variant has not been reported in the literature. This variant is reported in 0.0069% of alleles in individuals of East Asian descent in gnomAD. At this time, the clinical significance of this variant is uncertain due to the absence of conclusive functional and genetic evidence.

NM_020163.3(SEMA3G):c.477G>C (p.Glu159Asp)

Gene: SEMA3G (semaphorin 3G; minus strand). Cytogenetic location: 3p21.1.
Variant type: single nucleotide variant.
Coding change: c.477G>C on transcript NM_020163.3 (MANE Select); coding-DNA position 477, G replaced by C.
Protein change: p.Glu159Asp; replaces glutamic acid 159 with aspartic acid.
Molecular consequence: missense variant.
Genome position (GRCh38, 1-based): chr3:52,441,892, C>G on the plus strand (G>C on the coding strand, the complement: SEMA3G is on the minus strand). VCF-style: chr3-52441892-C-G. GRCh37 (hg19) VCF-style: chr3-52475908-C-G.
Other names: c.477G>C (NM_020163.2); short protein forms E159D.
Identifiers: ClinVar variation 3952095 (VCV003952095.2).